The following is an entry in ClinVar:

ClinVar aggregate classification (germline): Benign/Likely benign. Review status: criteria provided, multiple submitters, no conflicts (2 of 4 stars). 4 submissions from 4 submitters: Benign (3); Likely benign (1). Last evaluated 2026-09-01.

Conditions:
Inborn genetic diseases. Identifiers: MedGen C0950123, MeSH D030342.

Allele frequency attached by ClinVar (database versions not stated): ESP Exome Variant Server 0.00010; gnomAD 0.00013; TOPMed 0.00020; 1000 Genomes Project 30x 0.00021; 1000 Genomes Project 0.00026; ExAC 0.00030; gnomAD exomes 0.00038.
gnomAD v4.1: 177 of 1,201,097 alleles (0.015%); highest among the groups gnomAD compares: Admixed American, 0.14%; no homozygotes.

Submissions (4):

CeGaT Center for Human Genetics Tuebingen
Classification: Likely benign. Last evaluated: 2026-09-01. Review status: criteria provided, single submitter. Criteria: CeGaT Center For Human Genetics Tuebingen Variant Classification Criteria Version 2. Collection method: clinical testing. Allele origin: germline. Affected: yes. Observed: 2 variant alleles.
Comment: DDX3X: BP4, BS2

Labcorp Genetics (formerly Invitae), Labcorp
Classification: Benign. Last evaluated: 2025-12-02. Review status: criteria provided, single submitter. Criteria: Invitae Variant Classification Sherloc (09022015). Collection method: clinical testing. Allele origin: germline.

GeneDx
Classification: Benign. Last evaluated: 2019-02-01. Review status: criteria provided, single submitter. Criteria: GeneDx Variant Classification Process June 2021. Collection method: clinical testing. Allele origin: germline. Affected: yes.

Ambry Genetics
Classification: Benign for Inborn genetic diseases. Last evaluated: 2017-01-19. Review status: criteria provided, single submitter. Criteria: Ambry Variant Classification Scheme 2023. Collection method: clinical testing. Allele origin: germline.

NM_001356.5(DDX3X):c.1770-3T>C

Gene: DDX3X (DEAD-box helicase 3 X-linked; plus strand). Cytogenetic location: Xp11.4.
Variant type: single nucleotide variant.
Coding change: c.1770-3T>C on transcript NM_001356.5 (MANE Select); 3 bases into the intron before coding-DNA position 1770, T replaced by C.
Molecular consequence: intron variant.
Genome position (GRCh38, 1-based): chrX:41,347,309, T>C. VCF-style: chrX-41347309-T-C. GRCh37 (hg19) VCF-style: chrX-41206562-T-C.
Other names: c.1770-6T>C (NM_001193416.3); c.1722-3T>C (NM_001193417.3); c.1212-6T>C (NM_001363819.1).
Identifiers: ClinVar variation 588695 (VCV000588695.18), dbSNP rs200637678, ClinGen allele CA10389712.